The following is an entry in ClinVar:

NM_001243133.2(NLRP3):c.2578G>A (p.Val860Met)

Gene: NLRP3 (NLR family pyrin domain containing 3; plus strand). Cytogenetic location: 1q44.
Variant type: single nucleotide variant.
Coding change: c.2578G>A on transcript NM_001243133.2 (MANE Select); coding-DNA position 2578, G replaced by A.
Protein change: p.Val860Met; replaces valine 860 with methionine.
Molecular consequence: missense variant. On other transcripts: intron variant (2).
Genome position (GRCh38, 1-based): chr1:247,436,055, G>A. VCF-style: chr1-247436055-G-A. GRCh37 (hg19) VCF-style: chr1-247599357-G-A.
Other names: c.2578G>A, p.Val860Met (NM_001079821.3); c.2407G>A, p.Val803Met (NM_001127462.3); c.2584G>A, p.Val862Met (NM_004895.5); c.2492+1782G>A (NM_001127461.3); c.2321+1782G>A (NM_183395.3); short protein forms V803M, V860M, V862M.
Identifiers: ClinVar variation 1391330 (VCV001391330.6), dbSNP rs2103174115, ClinGen allele CA345562281.

ClinVar aggregate classification (germline): Uncertain significance (1 of 4 stars; one submission).

Conditions:
Cryopyrin associated periodic syndrome (CAPS). Identifiers: Orphanet 208650, MedGen C2316212, MONDO:0016168.

Allele frequency attached by ClinVar (database versions not stated): gnomAD exomes below 0.00001.
gnomAD v4.1: 1 of 1,614,196 alleles (0.000062%); highest among the groups gnomAD compares: Non-Finnish European, 0.000085%; no homozygotes.

Submission:

Labcorp Genetics (formerly Invitae), Labcorp
Classification: Uncertain significance for Cryopyrin associated periodic syndrome. Last evaluated: 2021-12-20. Review status: criteria provided, single submitter. Criteria: Invitae Variant Classification Sherloc (09022015). Collection method: clinical testing. Allele origin: germline.
Comment: This sequence change replaces valine, which is neutral and non-polar, with methionine, which is neutral and non-polar, at codon 862 of the NLRP3 protein (p.Val862Met). In summary, the available evidence is currently insufficient to determine the role of this variant in disease. Therefore, it has been classified as a Variant of Uncertain Significance. Algorithms developed to predict the effect of missense changes on protein structure and function output the following: SIFT: "Tolerated"; PolyPhen-2: "Benign"; Align-GVGD: "Class C0". The methionine amino acid residue is found in multiple mammalian species, which suggests that this missense change does not adversely affect protein function. This variant has not been reported in the literature in individuals affected with NLRP3-related conditions. This variant is not present in population databases (gnomAD no frequency).